The following is an entry in ClinVar:

NM_003489.4(NRIP1):c.3453A>C (p.Leu1151=)

Gene: NRIP1 (nuclear receptor interacting protein 1; minus strand). Cytogenetic location: 21q11.2.
Variant type: single nucleotide variant.
Coding change: c.3453A>C on transcript NM_003489.4 (MANE Select); coding-DNA position 3453, A replaced by C.
Protein change: p.Leu1151=; no amino-acid change (leucine 1151 retained).
Molecular consequence: synonymous variant.
Genome position (GRCh38, 1-based): chr21:14,964,740, T>G on the plus strand (A>C on the coding strand, the complement: NRIP1 is on the minus strand). VCF-style: chr21-14964740-T-G. GRCh37 (hg19) VCF-style: chr21-16337061-T-G.
Other names: c.3453A>C, p.Leu1151= (NM_001439275.1, NM_001439276.1, NM_001439277.1 and 10 more transcripts).
Identifiers: ClinVar variation 4988585 (VCV004988585.1).
Genomic context (GRCh38, chr21:14,964,740, plus strand): 5'-TTTTAAAAAGATCCAAAACTGGATGGCAGGTACATTTTATTCTGATTCTTTCTTTATCGT[T>G]AGCACGCTTCCCAGAAGTCCATAAACTTCTCCATTTGCGCTGTGTGGGCGAGAAGCATTA-3'
Protein context (NP_003480.2, residues 1141-1158): GEVYGLLGSV[Leu1151=]TIKKESE

ClinVar aggregate classification (germline): Likely benign (1 of 4 stars; one submission).

Conditions:
NRIP1-related disorder. Also called: NRIP1-related condition.

gnomAD v4.1: 22 of 1,558,208 alleles (0.0014%); highest among the groups gnomAD compares: South Asian, 0.026%; 1 homozygote.

Submission:

PreventionGenetics, part of Exact Sciences
Classification: Likely benign for NRIP1-related condition. Last evaluated: 2025-10-14. Review status: criteria provided, single submitter. Criteria: ACMG Guidelines, 2015. Collection method: clinical testing. Allele origin: germline.
Comment: This variant is classified as likely benign based on ACMG/AMP sequence variant interpretation guidelines (Richards et al. 2015 PMID: 25741868, with internal and published modifications).